The following is an entry in ClinVar:

NM_025077.4(TOE1):c.448C>T (p.Gln150Ter)

Gene: TOE1 (target of EGR1, exonuclease; plus strand). Cytogenetic location: 1p34.1.
Variant type: single nucleotide variant.
Coding change: c.448C>T on transcript NM_025077.4 (MANE Select); coding-DNA position 448, C replaced by T.
Protein change: p.Gln150Ter; replaces glutamine 150 with a stop codon.
Molecular consequence: nonsense.
Genome position (GRCh38, 1-based): chr1:45,342,063, C>T. VCF-style: chr1-45342063-C-T. GRCh37 (hg19) VCF-style: chr1-45807735-C-T.
Other names: short protein forms Q150*.
Identifiers: ClinVar variation 849146 (VCV000849146.2), dbSNP rs1465984343, ClinGen allele CA340139222.

ClinVar aggregate classification (germline): Pathogenic (1 of 4 stars; one submission).

Allele frequency attached by ClinVar (database versions not stated): gnomAD exomes below 0.00001 and 0.00001; TOPMed below 0.00001.

Submission:

Labcorp Genetics (formerly Invitae), Labcorp
Classification: Pathogenic. Last evaluated: 2019-02-14. Review status: criteria provided, single submitter. Criteria: Invitae Variant Classification Sherloc (09022015). Collection method: clinical testing. Allele origin: germline.
Comment: This sequence change creates a premature translational stop signal (p.Gln150*) in the TOE1 gene. It is expected to result in an absent or disrupted protein product. This variant is not present in population databases (ExAC no frequency). This variant has not been reported in the literature in individuals with TOE1-related disease. Loss-of-function variants in TOE1 are known to be pathogenic (PMID: 28092684). For these reasons, this variant has been classified as Pathogenic.

Literature cited by the submitters: PubMed 28092684.